The following is an entry in ClinVar:

ClinVar aggregate classification (germline): Benign. Review status: criteria provided, multiple submitters, no conflicts (2 of 4 stars). 2 submissions from 2 submitters: Benign (2). Last evaluated 2018-01-13.

Conditions:
Sick sinus syndrome 2, autosomal dominant (SSS2). Also called: ATRIAL FIBRILLATION WITH BRADYARRHYTHMIA; SINUS BRADYCARDIA SYNDROME, FAMILIAL, AUTOSOMAL DOMINANT; SINUS NODE DISEASE, FAMILIAL, AUTOSOMAL DOMINANT; SICK SINUS SYNDROME 2; SICK SINUS SYNDROME 2 WITH OR WITHOUT CARDIAC NONCOMPACTION AND/OR ASCENDING AORTA DILATION. Identifiers: Orphanet 166282, MedGen C1834144, MONDO:0008102, OMIM 163800.

Allele frequency attached by ClinVar (database versions not stated): 1000 Genomes Project 0.00200; TOPMed 0.00216; 1000 Genomes Project 30x 0.00234; gnomAD 0.00288 and 0.00291.

Submissions (2):

Illumina Laboratory Services, Illumina
Classification: Benign for Sick sinus syndrome 2, autosomal dominant. Last evaluated: 2018-01-13. Review status: criteria provided, single submitter. Criteria: ICSL Variant Classification Criteria 13 December 2019. Collection method: clinical testing. Allele origin: germline.
Comment: This variant was observed in the ICSL laboratory as part of a predisposition screen in an ostensibly healthy population. It had not been previously curated by ICSL or reported in the Human Gene Mutation Database (HGMD: prior to June 1st, 2018), and was therefore a candidate for classification through an automated scoring system. Utilizing variant allele frequency, disease prevalence and penetrance estimates, and inheritance mode, an automated score was calculated to assess if this variant is too frequent to cause the disease. Based on the score and internal cut-off values, a variant classified as benign is not then subjected to further curation. The score for this variant resulted in a classification of benign for this disease.

Breakthrough Genomics
Classification: Benign. Review status: criteria provided, single submitter. Criteria: ACMG Guidelines, 2015. Collection method: not provided. Allele origin: germline. Inheritance: Autosomal dominant inheritance. Affected: yes.

NM_005477.3(HCN4):c.*1490A>C

Gene: HCN4 (hyperpolarization activated cyclic nucleotide gated potassium channel 4; minus strand). Cytogenetic location: 15q24.1.
Variant type: single nucleotide variant.
Coding change: c.*1490A>C on transcript NM_005477.3 (MANE Select); 1490 bases downstream of the stop codon, A replaced by C.
Molecular consequence: 3 prime UTR variant.
Genome position (GRCh38, 1-based): chr15:73,320,991, T>G on the plus strand (A>C on the coding strand, the complement: HCN4 is on the minus strand). VCF-style: chr15-73320991-T-G. GRCh37 (hg19) VCF-style: chr15-73613332-T-G.
Identifiers: ClinVar variation 886594 (VCV000886594.5), dbSNP rs187377882, ClinGen allele CA272661989.